The following is an entry in ClinVar:

NM_139057.4(ADAMTS17):c.1136A>G (p.Asn379Ser)

Gene: ADAMTS17 (ADAM metallopeptidase with thrombospondin type 1 motif 17; minus strand). Cytogenetic location: 15q26.3.
Variant type: single nucleotide variant.
Coding change: c.1136A>G on transcript NM_139057.4 (MANE Select); coding-DNA position 1136, A replaced by G.
Protein change: p.Asn379Ser; replaces asparagine 379 with serine.
Molecular consequence: missense variant.
Genome position (GRCh38, 1-based): chr15:100,199,363, T>C on the plus strand (A>G on the coding strand, the complement: ADAMTS17 is on the minus strand). VCF-style: chr15-100199363-T-C. GRCh37 (hg19) VCF-style: chr15-100739568-T-C.
Other names: short protein forms N379S.
Identifiers: ClinVar variation 2174815 (VCV002174815.2), dbSNP rs756246492, ClinGen allele CA7758384.

ClinVar aggregate classification (germline): Uncertain significance (1 of 4 stars; one submission).

Allele frequency attached by ClinVar (database versions not stated): ExAC 0.00002.
gnomAD v4.1: 35 of 1,614,096 alleles (0.0022%); highest among the groups gnomAD compares: Middle Eastern, 0.016%; no homozygotes.

Submission:

Labcorp Genetics (formerly Invitae), Labcorp
Classification: Uncertain significance. Last evaluated: 2023-12-31. Review status: criteria provided, single submitter. Criteria: Invitae Variant Classification Sherloc (09022015). Collection method: clinical testing. Allele origin: germline.
Comment: This sequence change replaces asparagine, which is neutral and polar, with serine, which is neutral and polar, at codon 379 of the ADAMTS17 protein (p.Asn379Ser). This variant is present in population databases (rs756246492, gnomAD 0.005%). This variant has not been reported in the literature in individuals affected with ADAMTS17-related conditions. ClinVar contains an entry for this variant (Variation ID: 2174815). An algorithm developed to predict the effect of missense changes on protein structure and function (PolyPhen-2) suggests that this variant is likely to be disruptive. In summary, the available evidence is currently insufficient to determine the role of this variant in disease. Therefore, it has been classified as a Variant of Uncertain Significance.